The following is an entry in ClinVar:

ClinVar aggregate classification (germline): Benign/Likely benign. Review status: criteria provided, multiple submitters, no conflicts (2 of 4 stars). 3 submissions from 3 submitters: Benign (2); Likely benign (1). Last evaluated 2025-03-01.

Allele frequency attached by ClinVar (database versions not stated): 1000 Genomes Project 0.00200; 1000 Genomes Project 30x 0.00219; TOPMed 0.00475; gnomAD exomes 0.00494 and 0.00811; gnomAD 0.00513 and 0.00529; ExAC 0.00532; ESP Exome Variant Server 0.00607.
gnomAD v4.1: 12,428 of 1,610,992 alleles (0.77%); highest among the groups gnomAD compares: Non-Finnish European, 0.98%; 68 homozygotes.

Submissions (3):

CeGaT Center for Human Genetics Tuebingen
Classification: Likely benign. Last evaluated: 2025-03-01. Review status: criteria provided, single submitter. Criteria: CeGaT Center For Human Genetics Tuebingen Variant Classification Criteria Version 2. Collection method: clinical testing. Allele origin: germline. Affected: yes. Observed: 2 variant alleles.
Comment: SCRIB: BP4, BP7, BS2

Labcorp Genetics (formerly Invitae), Labcorp
Classification: Benign. Last evaluated: 2018-07-31. Review status: criteria provided, single submitter. Criteria: Invitae Variant Classification Sherloc (09022015). Collection method: clinical testing. Allele origin: germline.

Breakthrough Genomics
Classification: Benign. Review status: criteria provided, single submitter. Criteria: ACMG Guidelines, 2015. Collection method: not provided. Allele origin: germline. Inheritance: Unknown mechanism. Affected: yes.

NM_182706.5(SCRIB):c.1941T>C (p.Asn647=)

Gene: SCRIB (scribble planar cell polarity protein; minus strand). Cytogenetic location: 8q24.3.
Variant type: single nucleotide variant.
Coding change: c.1941T>C on transcript NM_182706.5 (MANE Select); coding-DNA position 1941, T replaced by C.
Protein change: p.Asn647=; no amino-acid change (asparagine 647 retained).
Molecular consequence: synonymous variant.
Genome position (GRCh38, 1-based): chr8:143,808,783, A>G on the plus strand (T>C on the coding strand, the complement: SCRIB is on the minus strand). VCF-style: chr8-143808783-A-G. GRCh37 (hg19) VCF-style: chr8-144890953-A-G.
Other names: c.1941T>C, p.Asn647= (NM_015356.5).
Identifiers: ClinVar variation 718154 (VCV000718154.28), dbSNP rs111919660, ClinGen allele CA187609232.
Genomic context (GRCh38, chr8:143,808,783, plus strand): 5'-ACCCTCTTCCTCCTCCTCCTCCTCCTTCTGGGCCCGAGGAGCCCAGGGTGCGTGGGGGCC[A>G]TTGTGCCAGCCCCCGGGAGCCACAGGGCCCTCCCCATCAGGCTGCATGCCCTGCAGCAGA-3'
Protein context (NP_874365.3, residues 637-657): EGPVAPGGWH[Asn647=]GPHAPWAPRA